The following is an entry in ClinVar:

NM_006267.5(RANBP2):c.1235G>A (p.Arg412Gln)

Gene: RANBP2 (RAN binding protein 2; plus strand). Cytogenetic location: 2q13.
Variant type: single nucleotide variant.
Coding change: c.1235G>A on transcript NM_006267.5 (MANE Select); coding-DNA position 1235, G replaced by A.
Protein change: p.Arg412Gln; replaces arginine 412 with glutamine.
Molecular consequence: missense variant.
Genome position (GRCh38, 1-based): chr2:108,749,091, G>A. VCF-style: chr2-108749091-G-A. GRCh37 (hg19) VCF-style: chr2-109365547-G-A.
Other names: short protein forms R412Q.
Identifiers: ClinVar variation 1042942 (VCV001042942.5), dbSNP rs544178123, ClinGen allele CA1822269.

ClinVar aggregate classification (germline): Uncertain significance (1 of 4 stars; one submission).

Conditions:
Familial acute necrotizing encephalopathy (IIAE3). Also called: ENCEPHALOPATHY, ACUTE, INFECTION-INDUCED, SUSCEPTIBILITY TO, 3; Susceptibility to Acute Necrotizing Encephalopathy 1. Identifiers: Orphanet 88619, MedGen C2675556, MONDO:0011953, OMIM 608033.

Allele frequency attached by ClinVar (database versions not stated): gnomAD 0.00001; gnomAD exomes 0.00001; ExAC 0.00002; TOPMed 0.00002; 1000 Genomes Project 0.00020; 1000 Genomes Project 30x 0.00031.

Submission:

Labcorp Genetics (formerly Invitae), Labcorp
Classification: Uncertain significance for Familial acute necrotizing encephalopathy. Last evaluated: 2018-02-27. Review status: criteria provided, single submitter. Criteria: Invitae Variant Classification Sherloc (09022015). Collection method: clinical testing. Allele origin: germline.
Comment: In summary, the available evidence is currently insufficient to determine the role of this variant in disease. Therefore, it has been classified as a Variant of Uncertain Significance. Algorithms developed to predict the effect of missense changes on protein structure and function output the following: SIFT: "Tolerated"; PolyPhen-2: "Benign"; Align-GVGD: "Class C0". The glutamine amino acid residue is found in multiple mammalian species, suggesting that this missense change does not adversely affect protein function. These predictions have not been confirmed by published functional studies and their clinical significance is uncertain. This variant has not been reported in the literature in individuals with RANBP2-related disease. The frequency data for this variant in the population databases is considered unreliable, as metrics indicate poor data quality at this position in the ExAC database. This sequence change replaces arginine with glutamine at codon 412 of the RANBP2 protein (p.Arg412Gln). The arginine residue is weakly conserved and there is a small physicochemical difference between arginine and glutamine.